The following is an entry in ClinVar:

NM_012414.4(RAB3GAP2):c.130T>G (p.Trp44Gly)

Gene: RAB3GAP2 (RAB3 GTPase activating non-catalytic protein subunit 2; minus strand). Cytogenetic location: 1q41.
Variant type: single nucleotide variant.
Coding change: c.130T>G on transcript NM_012414.4 (MANE Select); coding-DNA position 130, T replaced by G.
Protein change: p.Trp44Gly; replaces tryptophan 44 with glycine.
Molecular consequence: missense variant.
Genome position (GRCh38, 1-based): chr1:220,232,849, A>C on the plus strand (T>G on the coding strand, the complement: RAB3GAP2 is on the minus strand). VCF-style: chr1-220232849-A-C. GRCh37 (hg19) VCF-style: chr1-220406191-A-C.
Other names: short protein forms W44G.
Identifiers: ClinVar variation 1309807 (VCV001309807.3), dbSNP rs2102891734, ClinGen allele CA344731893.

ClinVar aggregate classification (germline): Uncertain significance. Review status: criteria provided, multiple submitters, no conflicts (2 of 4 stars). 2 submissions from 2 submitters: Uncertain significance (2). Last evaluated 2020-03-18.

Submissions (2):

Blueprint Genetics
Classification: Uncertain significance. Last evaluated: 2020-03-18. Review status: criteria provided, single submitter. Criteria: ACMG Guidelines, 2015. Collection method: clinical testing. Allele origin: germline.

GeneDx
Classification: Uncertain significance. Last evaluated: 2019-11-11. Review status: criteria provided, single submitter. Criteria: GeneDx Variant Classification Process June 2021. Collection method: clinical testing. Allele origin: germline. Affected: yes.
Comment: Not observed in large population cohorts (Lek et al., 2016); In silico analysis, which includes protein predictors and evolutionary conservation, supports a deleterious effect; Has not been previously published as pathogenic or benign to our knowledge